The following is an entry in ClinVar:

ClinVar aggregate classification (germline): Pathogenic (1 of 4 stars; one submission).

Conditions:
Spermatogenic failure 18. Identifiers: MedGen C4539783, MONDO:0054615, OMIM 617576.
Ciliary dyskinesia, primary, 37 (CILD37). Also called: CILIARY DYSKINESIA, PRIMARY, 37, WITH OR WITHOUT SITUS INVERSUS. Identifiers: MedGen C4539798, MONDO:0033204, OMIM 617577.

Submission:

Labcorp Genetics (formerly Invitae), Labcorp
Classification: Pathogenic for Ciliary dyskinesia, primary, 37; Spermatogenic failure 18. Last evaluated: 2024-11-18. Review status: criteria provided, single submitter. Criteria: Invitae Variant Classification Sherloc (09022015). Collection method: clinical testing. Allele origin: germline.
Comment: This sequence change creates a premature translational stop signal (p.Arg159Glyfs*42) in the DNAH1 gene. It is expected to result in an absent or disrupted protein product. Loss-of-function variants in DNAH1 are known to be pathogenic (PMID: 27573432, 27798045). This variant is not present in population databases (gnomAD no frequency). This variant has not been reported in the literature in individuals affected with DNAH1-related conditions. For these reasons, this variant has been classified as Pathogenic.

Literature cited by the submitters: PubMed 27573432; PubMed 27798045.

NM_015512.5(DNAH1):c.475del (p.Arg159fs)

Gene: DNAH1 (dynein axonemal heavy chain 1; plus strand). Cytogenetic location: 3p21.1.
Variant type: Deletion.
Coding change: c.475del on transcript NM_015512.5 (MANE Select); coding-DNA position 475, one base deleted (C; older notation c.475delC).
Protein change: p.Arg159fs; shifts the reading frame from arginine 159.
Molecular consequence: frameshift variant.
Genome position (GRCh38, 1-based): chr3:52,326,208, C deleted; the last of 3 consecutive C bases (chr3:52,326,206-52,326,208); deleting any one gives the same sequence. VCF-style (leftmost placement, unchanged base first): chr3-52326205-AC-A. GRCh37 (hg19) VCF-style: chr3-52360221-AC-A.
Other names: short protein forms R159fs.
Identifiers: ClinVar variation 3759819 (VCV003759819.2).